The following is an entry in ClinVar:

NM_176787.5(PIGN):c.2017A>G (p.Ser673Gly)

Gene: PIGN (phosphatidylinositol glycan anchor biosynthesis class N; minus strand). Cytogenetic location: 18q21.33.
Variant type: single nucleotide variant.
Coding change: c.2017A>G on transcript NM_176787.5 (MANE Select); coding-DNA position 2017, A replaced by G.
Protein change: p.Ser673Gly; replaces serine 673 with glycine.
Molecular consequence: missense variant.
Genome position (GRCh38, 1-based): chr18:62,101,135, T>C on the plus strand (A>G on the coding strand, the complement: PIGN is on the minus strand). VCF-style: chr18-62101135-T-C. GRCh37 (hg19) VCF-style: chr18-59768368-T-C.
Other names: c.2017A>G, p.Ser673Gly (NM_012327.6); short protein forms S673G.
Identifiers: ClinVar variation 941313 (VCV000941313.10), dbSNP rs754285689, ClinGen allele CA8982109.

ClinVar aggregate classification (germline): Uncertain significance. Review status: criteria provided, multiple submitters, no conflicts (2 of 4 stars). 4 submissions from 4 submitters: Uncertain significance (4). Last evaluated 2026-01-05.

Conditions:
Inborn genetic diseases. Identifiers: MedGen C0950123, MeSH D030342.
Multiple congenital anomalies-hypotonia-seizures syndrome 1 (MCAHS1). Also called: PIGN-CDG; Congenital disorder of glycosylation due to PIGN deficiency; GLYCOSYLPHOSPHATIDYLINOSITOL BIOSYNTHESIS DEFECT 3. Identifiers: Orphanet 280633, MedGen C3279775, MONDO:0013563, OMIM 614080.

Allele frequency attached by ClinVar (database versions not stated): TOPMed below 0.00001; ExAC 0.00002; gnomAD exomes 0.00002 and 0.00003.
gnomAD v4.1: 40 of 1,611,822 alleles (0.0025%); highest among the groups gnomAD compares: East Asian, 0.054%; no homozygotes.

Submissions (4):

Labcorp Genetics (formerly Invitae), Labcorp
Classification: Uncertain significance for Multiple congenital anomalies-hypotonia-seizures syndrome 1. Last evaluated: 2026-01-05. Review status: criteria provided, single submitter. Criteria: Invitae Variant Classification Sherloc (09022015). Collection method: clinical testing. Allele origin: germline.
Comment: This sequence change replaces serine, which is neutral and polar, with glycine, which is neutral and non-polar, at codon 673 of the PIGN protein (p.Ser673Gly). This variant is present in population databases (rs754285689, gnomAD 0.03%). This variant has not been reported in the literature in individuals affected with PIGN-related conditions. ClinVar contains an entry for this variant (Variation ID: 941313). Invitae Evidence Modeling of protein sequence and biophysical properties (such as structural, functional, and spatial information, amino acid conservation, physicochemical variation, residue mobility, and thermodynamic stability) indicates that this missense variant is expected to disrupt PIGN protein function with a positive predictive value of 80%. In summary, the available evidence is currently insufficient to determine the role of this variant in disease. Therefore, it has been classified as a Variant of Uncertain Significance.

Ambry Genetics
Classification: Uncertain significance for Inborn genetic diseases. Last evaluated: 2025-01-10. Review status: criteria provided, single submitter. Criteria: Ambry Variant Classification Scheme 2023. Collection method: clinical testing. Allele origin: germline.

Blueprint Genetics
Classification: Uncertain significance. Last evaluated: 2023-09-11. Review status: criteria provided, single submitter. Criteria: ACMG Guidelines, 2015. Collection method: clinical testing. Allele origin: germline.

GeneDx
Classification: Uncertain significance. Last evaluated: 2019-07-09. Review status: criteria provided, single submitter. Criteria: GeneDx Variant Classification Process June 2021. Collection method: clinical testing. Allele origin: germline. Affected: yes.
Comment: In silico analysis, which includes protein predictors and evolutionary conservation, supports a deleterious effect; Has not been previously published as pathogenic or benign to our knowledge